The following is an entry in ClinVar:

ClinVar aggregate classification (germline): Uncertain significance. Review status: criteria provided, multiple submitters, no conflicts (2 of 4 stars). 2 submissions from 2 submitters: Uncertain significance (2). Last evaluated 2025-09-11.

Conditions:
Hereditary cancer-predisposing syndrome. Also called: Neoplastic Syndromes, Hereditary; Hereditary Cancer Syndrome; Hereditary neoplastic syndrome; Tumor predisposition. Identifiers: Orphanet 140162, MedGen C0027672, MeSH D009386, MONDO:0015356.
Neuroblastoma, susceptibility to, 3. Also called: ALK-Related Neuroblastic Tumor Susceptibility. Identifiers: Orphanet 635, MedGen C2751681, MONDO:0013083, OMIM 613014.

Allele frequency attached by ClinVar (database versions not stated): gnomAD exomes below 0.00001.
gnomAD v4.1: 1 of 1,613,978 alleles (0.000062%); highest among the groups gnomAD compares: Non-Finnish European, 0.000085%; no homozygotes.

Submissions (2):

Ambry Genetics
Classification: Uncertain significance for Hereditary cancer-predisposing syndrome. Last evaluated: 2025-09-11. Review status: criteria provided, single submitter. Criteria: Ambry Variant Classification Scheme 2023. Collection method: clinical testing. Allele origin: germline.
Comment: The p.N946D variant (also known as c.2836A>G), located in coding exon 17 of the ALK gene, results from an A to G substitution at nucleotide position 2836. The asparagine at codon 946 is replaced by aspartic acid, an amino acid with highly similar properties. This amino acid position is conserved. In addition, this alteration is predicted to be tolerated by in silico analysis. Since supporting evidence is limited at this time, the clinical significance of this alteration remains unclear.

Labcorp Genetics (formerly Invitae), Labcorp
Classification: Uncertain significance for Neuroblastoma, susceptibility to, 3. Last evaluated: 2024-07-25. Review status: criteria provided, single submitter. Criteria: Invitae Variant Classification Sherloc (09022015). Collection method: clinical testing. Allele origin: germline.
Comment: This sequence change replaces asparagine, which is neutral and polar, with aspartic acid, which is acidic and polar, at codon 946 of the ALK protein (p.Asn946Asp). This variant is not present in population databases (gnomAD no frequency). This variant has not been reported in the literature in individuals affected with ALK-related conditions. ClinVar contains an entry for this variant (Variation ID: 643057). An algorithm developed to predict the effect of missense changes on protein structure and function (PolyPhen-2) suggests that this variant is likely to be disruptive. In summary, the available evidence is currently insufficient to determine the role of this variant in disease. Therefore, it has been classified as a Variant of Uncertain Significance.

NM_004304.5(ALK):c.2836A>G (p.Asn946Asp)

Gene: ALK (ALK receptor tyrosine kinase; minus strand). Cytogenetic location: 2p23.2.
Variant type: single nucleotide variant.
Coding change: c.2836A>G on transcript NM_004304.5 (MANE Select); coding-DNA position 2836, A replaced by G.
Protein change: p.Asn946Asp; replaces asparagine 946 with aspartic acid.
Molecular consequence: missense variant.
Genome position (GRCh38, 1-based): chr2:29,227,652, T>C on the plus strand (A>G on the coding strand, the complement: ALK is on the minus strand). VCF-style: chr2-29227652-T-C. GRCh37 (hg19) VCF-style: chr2-29450518-T-C.
Other names: short protein forms N946D.
Identifiers: ClinVar variation 643057 (VCV000643057.12), dbSNP rs1573132720, ClinGen allele CA346468799.